The following is an entry in ClinVar:

ClinVar aggregate classification (germline): Uncertain significance. Review status: criteria provided, multiple submitters, no conflicts (2 of 4 stars). 2 submissions from 2 submitters: Uncertain significance (2). Last evaluated 2026-01-13.

Conditions:
Hereditary cancer-predisposing syndrome. Also called: Tumor predisposition; Neoplastic Syndromes, Hereditary; Hereditary neoplastic syndrome; Hereditary Cancer Syndrome. Identifiers: Orphanet 140162, MedGen C0027672, MeSH D009386, MONDO:0015356.

Allele frequency attached by ClinVar (database versions not stated): TOPMed below 0.00001; gnomAD exomes 0.00001.
gnomAD v4.1: 7 of 1,608,420 alleles (0.00044%); highest among the groups gnomAD compares: Non-Finnish European, 0.00059%; no homozygotes.

Submissions (2):

Labcorp Genetics (formerly Invitae), Labcorp
Classification: Uncertain significance. Last evaluated: 2026-01-13. Review status: criteria provided, single submitter. Criteria: Invitae Variant Classification Sherloc (09022015). Collection method: clinical testing. Allele origin: germline.
Comment: This sequence change replaces valine, which is neutral and non-polar, with alanine, which is neutral and non-polar, at codon 25 of the CTNNA1 protein (p.Val25Ala). This variant is not present in population databases (gnomAD no frequency). This variant has not been reported in the literature in individuals affected with CTNNA1-related conditions. ClinVar contains an entry for this variant (Variation ID: 850761). Invitae Evidence Modeling of protein sequence and biophysical properties (such as structural, functional, and spatial information, amino acid conservation, physicochemical variation, residue mobility, and thermodynamic stability) indicates that this missense variant is not expected to disrupt CTNNA1 protein function with a negative predictive value of 80%. In summary, the available evidence is currently insufficient to determine the role of this variant in disease. Therefore, it has been classified as a Variant of Uncertain Significance.

Ambry Genetics
Classification: Uncertain significance for Hereditary cancer-predisposing syndrome. Last evaluated: 2023-10-25. Review status: criteria provided, single submitter. Criteria: Ambry Variant Classification Scheme 2023. Collection method: clinical testing. Allele origin: germline.
Comment: The p.V25A variant (also known as c.74T>C), located in coding exon 1 of the CTNNA1 gene, results from a T to C substitution at nucleotide position 74. The valine at codon 25 is replaced by alanine, an amino acid with similar properties. This amino acid position is highly conserved in available vertebrate species. In addition, this alteration is predicted to be deleterious by in silico analysis. The evidence for this gene-disease relationship is limited; therefore, the clinical significance of this alteration is unclear.

NM_001903.5(CTNNA1):c.74T>C (p.Val25Ala)

Gene: CTNNA1 (catenin alpha 1; plus strand). Cytogenetic location: 5q31.2.
Variant type: single nucleotide variant.
Coding change: c.74T>C on transcript NM_001903.5 (MANE Select); coding-DNA position 74, T replaced by C.
Protein change: p.Val25Ala; replaces valine 25 with alanine.
Molecular consequence: missense variant. On other transcripts: 5 prime UTR variant (2).
Genome position (GRCh38, 1-based): chr5:138,781,998, T>C. VCF-style: chr5-138781998-T-C. GRCh37 (hg19) VCF-style: chr5-138117687-T-C.
Other names: c.74T>C (NM_001903.2); c.74T>C, p.Val25Ala (NM_001290307.3, NM_001323982.2, NM_001323983.1 and 3 more transcripts); c.-40T>C (NM_001290309.3); c.-133T>C (NM_001290310.3); short protein forms V25A.
Identifiers: ClinVar variation 850761 (VCV000850761.8), dbSNP rs1755163761, ClinGen allele CA361477181.
Genomic context (GRCh38, chr5:138,781,998, plus strand): 5'-ATGCAGGCAACATAAACTTCAAGTGGGATCCTAAAAGTCTAGAGATCAGGACTCTGGCAG[T>C]TGAGAGACTGTTGGAGCCTCTTGTTACACAGGTAAGAATCTGAAAACACAAATACATTGT-3'
Protein context (NP_001894.2, residues 15-35): PKSLEIRTLA[Val25Ala]ERLLEPLVTQ